The following is an entry in ClinVar:

NM_025137.4(SPG11):c.6101G>A (p.Arg2034Gln)

Gene: SPG11 (SPG11 vesicle trafficking associated, spatacsin; minus strand). Cytogenetic location: 15q21.1.
Variant type: single nucleotide variant.
Coding change: c.6101G>A on transcript NM_025137.4 (MANE Select); coding-DNA position 6101, G replaced by A.
Protein change: p.Arg2034Gln; replaces arginine 2034 with glutamine.
Molecular consequence: missense variant. On other transcripts: intron variant (1).
Genome position (GRCh38, 1-based): chr15:44,573,651, C>T on the plus strand (G>A on the coding strand, the complement: SPG11 is on the minus strand). VCF-style: chr15-44573651-C-T. GRCh37 (hg19) VCF-style: chr15-44865849-C-T.
Other names: c.5867-831G>A (NM_001160227.2); short protein forms R2034Q.
Identifiers: ClinVar variation 1503983 (VCV001503983.7), dbSNP rs750101301, ClinGen allele CA7534261.

ClinVar aggregate classification (germline): Uncertain significance. Review status: criteria provided, multiple submitters, no conflicts (2 of 4 stars). 2 submissions from 2 submitters: Uncertain significance (2). Last evaluated 2022-07-13.

Conditions:
Hereditary spastic paraplegia 11. Also called: SPASTIC PARAPLEGIA, AUTOSOMAL RECESSIVE, COMPLICATED, WITH THIN CORPUS CALLOSUM; SPASTIC PARAPLEGIA, AUTOSOMAL RECESSIVE, WITH MENTAL IMPAIRMENT AND THIN CORPUS CALLOSUM; Spastic paraplegia, mental retardation and thin corpus callosum; Nakamura Osame syndrome; Autosomal recessive hereditary spastic paraplegia, mental impairment, and thin corpus callosum; Spastic Paraplegia 11. Identifiers: Orphanet 2822, MedGen C1858479, MONDO:0011445, OMIM 604360.
Inborn genetic diseases. Identifiers: MedGen C0950123, MeSH D030342.

Allele frequency attached by ClinVar (database versions not stated): gnomAD 0.00001; gnomAD exomes 0.00002; TOPMed 0.00002; ExAC 0.00003.
gnomAD v4.1: 28 of 1,614,058 alleles (0.0017%); highest among the groups gnomAD compares: South Asian, 0.0066%; 1 homozygote.

Submissions (2):

Labcorp Genetics (formerly Invitae), Labcorp
Classification: Uncertain significance for Hereditary spastic paraplegia 11. Last evaluated: 2022-07-13. Review status: criteria provided, single submitter. Criteria: Invitae Variant Classification Sherloc (09022015). Collection method: clinical testing. Allele origin: germline.
Comment: This sequence change replaces arginine, which is basic and polar, with glutamine, which is neutral and polar, at codon 2034 of the SPG11 protein (p.Arg2034Gln). This variant is present in population databases (rs750101301, gnomAD 0.007%). This missense change has been observed in individual(s) with amyotrophic lateral sclerosis (PMID: 31475037). ClinVar contains an entry for this variant (Variation ID: 1503983). Algorithms developed to predict the effect of missense changes on protein structure and function output the following: SIFT: "Tolerated"; PolyPhen-2: "Benign"; Align-GVGD: "Class C0". The glutamine amino acid residue is found in multiple mammalian species, which suggests that this missense change does not adversely affect protein function. In summary, the available evidence is currently insufficient to determine the role of this variant in disease. Therefore, it has been classified as a Variant of Uncertain Significance.

Ambry Genetics
Classification: Uncertain significance for Inborn genetic diseases. Last evaluated: 2020-03-05. Review status: criteria provided, single submitter. Criteria: Ambry Variant Classification Scheme 2023. Collection method: clinical testing. Allele origin: germline.
Comment: The p.R2034Q variant (also known as c.6101G>A), located in coding exon 32 of the SPG11 gene, results from a G to A substitution at nucleotide position 6101. The arginine at codon 2034 is replaced by glutamine, an amino acid with highly similar properties. This amino acid position is not well conserved in available vertebrate species. In addition, this alteration is predicted to be tolerated by in silico analysis. Since supporting evidence is limited at this time, the clinical significance of this alteration remains unclear.

Literature cited by the submitters: PubMed 31475037 (cited by Labcorp Genetics (formerly Invitae), Labcorp).